The following is an entry in ClinVar:

NM_001042492.3(NF1):c.6592G>A (p.Ala2198Thr)

Gene: NF1 (neurofibromin 1; plus strand). Cytogenetic location: 17q11.2.
Variant type: single nucleotide variant.
Coding change: c.6592G>A on transcript NM_001042492.3 (MANE Select); coding-DNA position 6592, G replaced by A.
Protein change: p.Ala2198Thr; replaces alanine 2198 with threonine.
Molecular consequence: missense variant.
Genome position (GRCh38, 1-based): chr17:31,337,532, G>A. VCF-style: chr17-31337532-G-A. GRCh37 (hg19) VCF-style: chr17-29664550-G-A.
Other names: c.6529G>A, p.Ala2177Thr (NM_000267.4); short protein forms A2177T, A2198T.
Identifiers: ClinVar variation 484111 (VCV000484111.8), dbSNP rs1555534882, ClinGen allele CA399013349.

ClinVar aggregate classification (germline): Uncertain significance. Review status: criteria provided, multiple submitters, no conflicts (2 of 4 stars). 2 submissions from 2 submitters: Uncertain significance (2). Last evaluated 2023-11-08.

Conditions:
Cardiovascular phenotype. Identifiers: MedGen CN230736.
Hereditary cancer-predisposing syndrome. Also called: Hereditary neoplastic syndrome; Neoplastic Syndromes, Hereditary; Tumor predisposition; Hereditary Cancer Syndrome. Identifiers: Orphanet 140162, MedGen C0027672, MeSH D009386, MONDO:0015356.
Neurofibromatosis, type 1 (NF1). Also called: VON RECKLINGHAUSEN DISEASE; Peripheral type neurofibromatosis; NEUROFIBROMATOSIS, TYPE I, SOMATIC; Neurofibromatosis, type I. Identifiers: Orphanet 636, MedGen C0027831, MONDO:0018975, OMIM 162200. Disease mechanism: loss of function.

Submissions (2):

Labcorp Genetics (formerly Invitae), Labcorp
Classification: Uncertain significance for Neurofibromatosis, type 1. Last evaluated: 2023-11-08. Review status: criteria provided, single submitter. Criteria: Invitae Variant Classification Sherloc (09022015). Collection method: clinical testing. Allele origin: germline.
Comment: This sequence change replaces alanine, which is neutral and non-polar, with threonine, which is neutral and polar, at codon 2177 of the NF1 protein (p.Ala2177Thr). This variant is not present in population databases (gnomAD no frequency). This variant has not been reported in the literature in individuals affected with NF1-related conditions. ClinVar contains an entry for this variant (Variation ID: 484111). Advanced modeling of protein sequence and biophysical properties (such as structural, functional, and spatial information, amino acid conservation, physicochemical variation, residue mobility, and thermodynamic stability) has been performed at Invitae for this missense variant, however the output from this modeling did not meet the statistical confidence thresholds required to predict the impact of this variant on NF1 protein function. In summary, the available evidence is currently insufficient to determine the role of this variant in disease. Therefore, it has been classified as a Variant of Uncertain Significance.

Ambry Genetics
Classification: Uncertain significance for Cardiovascular phenotype; Hereditary cancer-predisposing syndrome. Last evaluated: 2017-03-28. Review status: criteria provided, single submitter. Criteria: Ambry Variant Classification Scheme 2023. Collection method: clinical testing. Allele origin: germline.
Comment: The p.A2177T variant (also known as c.6529G>A), located in coding exon 42 of the NF1 gene, results from a G to A substitution at nucleotide position 6529. The alanine at codon 2177 is replaced by threonine, an amino acid with similar properties. This amino acid position is highly conserved in available vertebrate species. In addition, this alteration is predicted to be tolerated by in silico analysis. Since supporting evidence is conflicting at this time, the clinical significance of this alteration remains unclear.